The following is an entry in ClinVar:

NM_001036.6(RYR3):c.8758A>G (p.Ser2920Gly)

Gene: RYR3 (ryanodine receptor 3; plus strand). Cytogenetic location: 15q14.
Variant type: single nucleotide variant.
Coding change: c.8758A>G on transcript NM_001036.6 (MANE Select); coding-DNA position 8758, A replaced by G.
Protein change: p.Ser2920Gly; replaces serine 2920 with glycine.
Molecular consequence: missense variant.
Genome position (GRCh38, 1-based): chr15:33,769,114, A>G. VCF-style: chr15-33769114-A-G. GRCh37 (hg19) VCF-style: chr15-34061315-A-G.
Other names: c.8758A>G, p.Ser2920Gly (NM_001243996.4); short protein forms S2920G.
Identifiers: ClinVar variation 949123 (VCV000949123.9), dbSNP rs374086691, ClinGen allele CA7460331.

ClinVar aggregate classification (germline): Uncertain significance (1 of 4 stars; one submission).

Conditions:
Epileptic encephalopathy. Identifiers: MedGen C0543888, HP:0200134.

Allele frequency attached by ClinVar (database versions not stated): ExAC 0.00001; gnomAD 0.00001; gnomAD exomes 0.00001 and 0.00002; TOPMed 0.00002; ESP Exome Variant Server 0.00008.
gnomAD v4.1: 23 of 1,611,232 alleles (0.0014%); highest among the groups gnomAD compares: Non-Finnish European, 0.0019%; no homozygotes.

Submission:

Labcorp Genetics (formerly Invitae), Labcorp
Classification: Uncertain significance for Epileptic encephalopathy. Last evaluated: 2022-02-03. Review status: criteria provided, single submitter. Criteria: Invitae Variant Classification Sherloc (09022015). Collection method: clinical testing. Allele origin: germline.
Comment: This sequence change replaces serine, which is neutral and polar, with glycine, which is neutral and non-polar, at codon 2920 of the RYR3 protein (p.Ser2920Gly). Algorithms developed to predict the effect of missense changes on protein structure and function are either unavailable or do not agree on the potential impact of this missense change (SIFT: "Deleterious"; PolyPhen-2: "Benign"; Align-GVGD: "Class C0"). In summary, the available evidence is currently insufficient to determine the role of this variant in disease. Therefore, it has been classified as a Variant of Uncertain Significance. ClinVar contains an entry for this variant (Variation ID: 949123). This variant has not been reported in the literature in individuals affected with RYR3-related conditions. This variant is present in population databases (rs374086691, gnomAD 0.004%).